The following is an entry in ClinVar:

NM_000057.4(BLM):c.2294T>C (p.Val765Ala)

Gene: BLM (BLM RecQ like helicase; plus strand). Cytogenetic location: 15q26.1.
Variant type: single nucleotide variant.
Coding change: c.2294T>C on transcript NM_000057.4 (MANE Select); coding-DNA position 2294, T replaced by C.
Protein change: p.Val765Ala; replaces valine 765 with alanine.
Molecular consequence: missense variant.
Genome position (GRCh38, 1-based): chr15:90,767,010, T>C. VCF-style: chr15-90767010-T-C. GRCh37 (hg19) VCF-style: chr15-91310240-T-C.
Other names: c.2294T>C, p.Val765Ala (NM_001287246.2, NM_001287247.2); c.1169T>C, p.Val390Ala (NM_001287248.2); short protein forms V765A, V390A.
Identifiers: ClinVar variation 2586898 (VCV002586898.2), dbSNP rs2505447574, ClinGen allele CA393844980.

ClinVar aggregate classification (germline): Uncertain significance (1 of 4 stars; one submission).

Conditions:
Hereditary cancer-predisposing syndrome. Also called: Hereditary neoplastic syndrome; Tumor predisposition; Hereditary Cancer Syndrome; Neoplastic Syndromes, Hereditary. Identifiers: Orphanet 140162, MedGen C0027672, MeSH D009386, MONDO:0015356.

Submission:

Ambry Genetics
Classification: Uncertain significance for Hereditary cancer-predisposing syndrome. Last evaluated: 2023-09-06. Review status: criteria provided, single submitter. Criteria: Ambry Variant Classification Scheme 2023. Collection method: clinical testing. Allele origin: germline.
Comment: The p.V765A variant (also known as c.2294T>C), located in coding exon 9 of the BLM gene, results from a T to C substitution at nucleotide position 2294. The valine at codon 765 is replaced by alanine, an amino acid with similar properties. This amino acid position is highly conserved in available vertebrate species. In addition, this alteration is predicted to be deleterious by in silico analysis. Since supporting evidence is limited at this time, the clinical significance of this alteration remains unclear.